The following is an entry in ClinVar:

ClinVar aggregate classification (germline): Uncertain significance (1 of 4 stars; one submission).

Conditions:
Epilepsy. Also called: Seizure disorder. Identifiers: MedGen C0014544, MeSH D004827, MONDO:0005027.

Allele frequency attached by ClinVar (database versions not stated): gnomAD exomes 0.00001; TOPMed below 0.00001.
gnomAD v4.1: 21 of 1,609,292 alleles (0.0013%); highest among the groups gnomAD compares: African/African-American, 0.0067%; no homozygotes.

Submission:

Labcorp Genetics (formerly Invitae), Labcorp
Classification: Uncertain significance for Epilepsy. Last evaluated: 2020-07-10. Review status: criteria provided, single submitter. Criteria: Invitae Variant Classification Sherloc (09022015). Collection method: clinical testing. Allele origin: germline.
Comment: In summary, the available evidence is currently insufficient to determine the role of this variant in disease. Therefore, it has been classified as a Variant of Uncertain Significance. Algorithms developed to predict the effect of missense changes on protein structure and function are either unavailable or do not agree on the potential impact of this missense change (SIFT: "Deleterious"; PolyPhen-2: "Probably Damaging"; Align-GVGD: "Class C15"). This variant has not been reported in the literature in individuals with PIGQ-related conditions. This variant is not present in population databases (ExAC no frequency). This sequence change replaces arginine with tryptophan at codon 505 of the PIGQ protein (p.Arg505Trp). The arginine residue is highly conserved and there is a moderate physicochemical difference between arginine and tryptophan.

NM_004204.5(PIGQ):c.1513C>T (p.Arg505Trp)

Gene: PIGQ (phosphatidylinositol glycan anchor biosynthesis class Q; plus strand). Cytogenetic location: 16p13.3.
Variant type: single nucleotide variant.
Coding change: c.1513C>T on transcript NM_004204.5 (MANE Select); coding-DNA position 1513, C replaced by T.
Protein change: p.Arg505Trp; replaces arginine 505 with tryptophan.
Molecular consequence: missense variant.
Genome position (GRCh38, 1-based): chr16:580,954, C>T. VCF-style: chr16-580954-C-T. GRCh37 (hg19) VCF-style: chr16-630954-C-T.
Other names: c.1513C>T, p.Arg505Trp (NM_148920.4); short protein forms R505W.
Identifiers: ClinVar variation 1017226 (VCV001017226.6), dbSNP rs1483235042, ClinGen allele CA394059387.